The following is an entry in ClinVar:

NM_000222.3(KIT):c.659G>C (p.Ser220Thr)

Gene: KIT (KIT proto-oncogene, receptor tyrosine kinase; plus strand). Cytogenetic location: 4q12.
Variant type: single nucleotide variant.
Coding change: c.659G>C on transcript NM_000222.3 (MANE Select); coding-DNA position 659, G replaced by C.
Protein change: p.Ser220Thr; replaces serine 220 with threonine.
Molecular consequence: missense variant.
Genome position (GRCh38, 1-based): chr4:54,699,669, G>C. VCF-style: chr4-54699669-G-C. GRCh37 (hg19) VCF-style: chr4-55565835-G-C.
Other names: c.659G>C, p.Ser220Thr (NM_001093772.2, NM_001385284.1, NM_001385285.1 and 4 more transcripts); short protein forms S220T.
Identifiers: ClinVar variation 1015677 (VCV001015677.16), dbSNP rs1720325262, ClinGen allele CA356898230.

ClinVar aggregate classification (germline): Uncertain significance (1 of 4 stars; one submission).

Conditions:
Gastrointestinal stromal tumor. Also called: Gastrointestinal stromal tumor, somatic; Gastrointestinal stroma tumor. Identifiers: Orphanet 44890, MedGen C0238198, MeSH D046152, MONDO:0011719, OMIM 606764, HP:0100723.

Submission:

Labcorp Genetics (formerly Invitae), Labcorp
Classification: Uncertain significance for Gastrointestinal stromal tumor. Last evaluated: 2020-01-25. Review status: criteria provided, single submitter. Criteria: Invitae Variant Classification Sherloc (09022015). Collection method: clinical testing. Allele origin: germline.
Comment: This variant has not been reported in the literature in individuals with KIT-related conditions. In summary, the available evidence is currently insufficient to determine the role of this variant in disease. Therefore, it has been classified as a Variant of Uncertain Significance. Algorithms developed to predict the effect of missense changes on protein structure and function (SIFT, PolyPhen-2, Align-GVGD) all suggest that this variant is likely to be tolerated, but these predictions have not been confirmed by published functional studies and their clinical significance is uncertain. This variant is not present in population databases (ExAC no frequency). This sequence change replaces serine with threonine at codon 220 of the KIT protein (p.Ser220Thr). The serine residue is moderately conserved and there is a small physicochemical difference between serine and threonine.